The following is an entry in ClinVar:

ClinVar aggregate classification (germline): Uncertain significance (0 of 4 stars; one submission).

Conditions:
BDP1-related disorder. Also called: BDP1-related condition.

Submission:

PreventionGenetics, part of Exact Sciences
Classification: Uncertain significance for BDP1-related condition. Last evaluated: 2024-08-26. Review status: no assertion criteria provided. Collection method: clinical testing. Allele origin: germline.
Comment: The BDP1 c.3586_3588delATA variant is predicted to result in an in-frame deletion (p.Ile1196del). To our knowledge, this variant has not been reported in the literature or in a large population database, indicating this variant is rare. At this time, the clinical significance of this variant is uncertain due to the absence of conclusive functional and genetic evidence.

NM_018429.3(BDP1):c.3586_3588del (p.Ile1196del)

Gene: BDP1 (BDP1 general transcription factor IIIB subunit; plus strand). Cytogenetic location: 5q13.2.
Variant type: Deletion.
Coding change: c.3586_3588del on transcript NM_018429.3 (MANE Select); coding-DNA positions 3586 to 3588, 3 bases deleted (ATA; older notation c.3586_3588delATA).
Protein change: p.Ile1196del; deletes isoleucine 1196.
Molecular consequence: inframe deletion.
Genome position (GRCh38, 1-based): chr5:71,510,678-71,510,680, ATA deleted; deleting any 3 consecutive bases within chr5:71,510,676-71,510,680 gives the same sequence; the c. name uses the placement nearest the transcript's 3' end. VCF-style (leftmost placement, unchanged base first): chr5-71510675-GTAA-G. GRCh37 (hg19) VCF-style: chr5-70806502-GTAA-G.
Other names: short protein forms I1196del.
Identifiers: ClinVar variation 3352625 (VCV003352625.1).